The following is an entry in ClinVar:

NM_000211.5(ITGB2):c.151T>A (p.Phe51Ile)

Gene: ITGB2 (integrin subunit beta 2; minus strand). Cytogenetic location: 21q22.3.
Variant type: single nucleotide variant.
Coding change: c.151T>A on transcript NM_000211.5 (MANE Select); coding-DNA position 151, T replaced by A.
Protein change: p.Phe51Ile; replaces phenylalanine 51 with isoleucine.
Molecular consequence: missense variant. On other transcripts: 5 prime UTR variant (1).
Genome position (GRCh38, 1-based): chr21:44,907,092, A>T on the plus strand (T>A on the coding strand, the complement: ITGB2 is on the minus strand). VCF-style: chr21-44907092-A-T. GRCh37 (hg19) VCF-style: chr21-46327007-A-T.
Other names: c.151T>A, p.Phe51Ile (NM_001127491.3); c.-57T>A (NM_001303238.2); short protein forms F51I.
Identifiers: ClinVar variation 2161011 (VCV002161011.4), dbSNP rs2517153395, ClinGen allele CA410479979.

ClinVar aggregate classification (germline): Uncertain significance (1 of 4 stars; one submission).

Conditions:
Leukocyte adhesion deficiency 1 (LAD1). Also called: LEUKOCYTE ADHESION DEFICIENCY, TYPE I; LAD 1; Lymphocyte function-associated antigen 1 immunodeficiency; LFA 1 immunodeficiency. Identifiers: Orphanet 2968, Orphanet 99842, MedGen C0398738, MONDO:0007293, OMIM 116920.

Allele frequency attached by ClinVar (database versions not stated): gnomAD exomes below 0.00001.
gnomAD v4.1: 1 of 1,596,616 alleles (0.000063%); highest among the groups gnomAD compares: South Asian, 0.0011%; no homozygotes.

Submission:

Labcorp Genetics (formerly Invitae), Labcorp
Classification: Uncertain significance for Leukocyte adhesion deficiency 1. Last evaluated: 2022-03-13. Review status: criteria provided, single submitter. Criteria: Invitae Variant Classification Sherloc (09022015). Collection method: clinical testing. Allele origin: germline.
Comment: In summary, the available evidence is currently insufficient to determine the role of this variant in disease. Therefore, it has been classified as a Variant of Uncertain Significance. Algorithms developed to predict the effect of missense changes on protein structure and function are either unavailable or do not agree on the potential impact of this missense change (SIFT: "Deleterious"; PolyPhen-2: "Probably Damaging"; Align-GVGD: "Class C15"). This variant has not been reported in the literature in individuals affected with ITGB2-related conditions. This variant is not present in population databases (gnomAD no frequency). This sequence change replaces phenylalanine, which is neutral and non-polar, with isoleucine, which is neutral and non-polar, at codon 51 of the ITGB2 protein (p.Phe51Ile).